The following is an entry in ClinVar:

NC_000020.11:g.58915627CCCT[4]

Gene: GNAS (GNAS complex locus; plus strand). Cytogenetic location: 20q13.32.
Variant type: Microsatellite.
Genome position: GRCh38 VCF-style: chr20-58915626-CCCCT-C. GRCh37 (hg19) VCF-style: chr20-57490681-CCCCT-C.
Identifiers: ClinVar variation 4874276 (VCV004874276.2).

ClinVar aggregate classification (germline): Likely benign (1 of 4 stars; one submission).

Submission:

CeGaT Center for Human Genetics Tuebingen
Classification: Likely benign. Last evaluated: 2026-04-01. Review status: criteria provided, single submitter. Criteria: CeGaT Center For Human Genetics Tuebingen Variant Classification Criteria Version 2. Collection method: clinical testing. Allele origin: germline. Affected: yes. Observed: 2 variant alleles.
Comment: GNAS: BS1